The following is an entry in ClinVar:

ClinVar aggregate classification (germline): Uncertain significance. Review status: criteria provided, multiple submitters, no conflicts (2 of 4 stars). 2 submissions from 2 submitters: Uncertain significance (2). Last evaluated 2025-01-17.

Conditions:
Inborn genetic diseases. Identifiers: MedGen C0950123, MeSH D030342.

Allele frequency attached by ClinVar (database versions not stated): TOPMed below 0.00001; gnomAD 0.00001; gnomAD exomes 0.00001.

Submissions (2):

Ambry Genetics
Classification: Uncertain significance for Inborn genetic diseases. Last evaluated: 2025-01-17. Review status: criteria provided, single submitter. Criteria: Ambry Variant Classification Scheme 2023. Collection method: clinical testing. Allele origin: germline.

Labcorp Genetics (formerly Invitae), Labcorp
Classification: Uncertain significance. Last evaluated: 2023-06-20. Review status: criteria provided, single submitter. Criteria: Invitae Variant Classification Sherloc (09022015). Collection method: clinical testing. Allele origin: germline.
Comment: This sequence change replaces aspartic acid, which is acidic and polar, with glycine, which is neutral and non-polar, at codon 36 of the CAPN5 protein (p.Asp36Gly). This variant is present in population databases (no rsID available, gnomAD 0.002%). This variant has not been reported in the literature in individuals affected with CAPN5-related conditions. Advanced modeling of protein sequence and biophysical properties (such as structural, functional, and spatial information, amino acid conservation, physicochemical variation, residue mobility, and thermodynamic stability) performed at Invitae indicates that this missense variant is not expected to disrupt CAPN5 protein function. In summary, the available evidence is currently insufficient to determine the role of this variant in disease. Therefore, it has been classified as a Variant of Uncertain Significance.

NM_004055.5(CAPN5):c.107A>G (p.Asp36Gly)

Gene: CAPN5 (calpain 5; plus strand). Cytogenetic location: 11q13.5.
Variant type: single nucleotide variant.
Coding change: c.107A>G on transcript NM_004055.5 (MANE Select); coding-DNA position 107, A replaced by G.
Protein change: p.Asp36Gly; replaces aspartic acid 36 with glycine.
Molecular consequence: missense variant.
Genome position (GRCh38, 1-based): chr11:77,084,993, A>G. VCF-style: chr11-77084993-A-G. GRCh37 (hg19) VCF-style: chr11-76796039-A-G.
Other names: c.107A>G, p.Asp36Gly (NM_001425321.1, NM_001425322.1, NM_001425323.1); c.107A>G (NM_004055.4); short protein forms D36G.
Identifiers: ClinVar variation 3012453 (VCV003012453.4), dbSNP rs979051144, ClinGen allele CA224805344.